The following is an entry in ClinVar:

ClinVar aggregate classification (germline): Uncertain significance (1 of 4 stars; one submission).

Submission:

GeneDx
Classification: Uncertain significance. Last evaluated: 2022-05-25. Review status: criteria provided, single submitter. Criteria: GeneDx Variant Classification Process June 2021. Collection method: clinical testing. Allele origin: germline. Affected: yes.
Comment: Not observed at significant frequency in large population cohorts (gnomAD); In silico analysis supports that this missense variant has a deleterious effect on protein structure/function; Has not been previously published as pathogenic or benign to our knowledge

NM_005548.3(KARS1):c.1592A>G (p.Glu531Gly)

Gene: KARS1 (lysyl-tRNA synthetase 1; minus strand). Cytogenetic location: 16q23.1.
Variant type: single nucleotide variant.
Coding change: c.1592A>G on transcript NM_005548.3 (MANE Select); coding-DNA position 1592, A replaced by G.
Protein change: p.Glu531Gly; replaces glutamic acid 531 with glycine.
Molecular consequence: missense variant.
Genome position (GRCh38, 1-based): chr16:75,628,672, T>C on the plus strand (A>G on the coding strand, the complement: KARS1 is on the minus strand). VCF-style: chr16-75628672-T-C. GRCh37 (hg19) VCF-style: chr16-75662570-T-C.
Other names: c.1676A>G, p.Glu559Gly (NM_001130089.2); c.1124A>G, p.Glu375Gly (NM_001378148.1); short protein forms E375G, E531G, E559G.
Identifiers: ClinVar variation 1800985 (VCV001800985.1), dbSNP rs2507549001, ClinGen allele CA396809784.
Genomic context (GRCh38, chr16:75,628,672, plus strand): 5'-ATGCCCATGCCCCAGCCAGCTGTGGGGGGCAGCCCATATTCCAGGGCAGTACAGAAGTTT[T>C]CATCTATGAACATGGCCTCATCATCACCTGCAGCCTTGGCCTAGAAGAGGAAAGAGAACC-3'
Protein context (NP_005539.1, residues 521-541): AGDDEAMFID[Glu531Gly]NFCTALEYGL